The following is an entry in ClinVar:

ClinVar aggregate classification (germline): Uncertain significance (1 of 4 stars; one submission).

Conditions:
Nemaline myopathy 2 (NEM2). Also called: Nemaline myopathy 2, autosomal recessive. Identifiers: MedGen C1850569, MONDO:0009725, OMIM 256030.

gnomAD v4.1: 1 of 1,613,934 alleles (0.000062%); no homozygotes.

Submission:

Labcorp Genetics (formerly Invitae), Labcorp
Classification: Uncertain significance for Nemaline myopathy 2. Last evaluated: 2024-05-26. Review status: criteria provided, single submitter. Criteria: Invitae Variant Classification Sherloc (09022015). Collection method: clinical testing. Allele origin: germline.
Comment: This sequence change replaces proline, which is neutral and non-polar, with leucine, which is neutral and non-polar, at codon 3179 of the NEB protein (p.Pro3179Leu). This variant is not present in population databases (gnomAD no frequency). This variant has not been reported in the literature in individuals affected with NEB-related conditions. Experimental studies and prediction algorithms are not available or were not evaluated, and the functional significance of this variant is currently unknown. In summary, the available evidence is currently insufficient to determine the role of this variant in disease. Therefore, it has been classified as a Variant of Uncertain Significance.

NM_001164508.2(NEB):c.9536C>T (p.Pro3179Leu)

Gene: NEB (nebulin; minus strand). Cytogenetic location: 2q23.3.
Variant type: single nucleotide variant.
Coding change: c.9536C>T on transcript NM_001164508.2 (MANE Select); coding-DNA position 9536, C replaced by T.
Protein change: p.Pro3179Leu; replaces proline 3179 with leucine.
Molecular consequence: missense variant. On other transcripts: intron variant (1).
Genome position (GRCh38, 1-based): chr2:151,631,225, G>A on the plus strand (C>T on the coding strand, the complement: NEB is on the minus strand). VCF-style: chr2-151631225-G-A. GRCh37 (hg19) VCF-style: chr2-152487739-G-A.
Other names: c.9536C>T, p.Pro3179Leu (NM_001164507.2, NM_001271208.2); c.8854-47C>T (NM_004543.5); short protein forms P3179L.
Identifiers: ClinVar variation 3703572 (VCV003703572.2).